The following is an entry in ClinVar:

NM_033380.3(COL4A5):c.982G>A (p.Gly328Ser)

Gene: COL4A5 (collagen type IV alpha 5 chain; plus strand). Cytogenetic location: Xq22.3.
Variant type: single nucleotide variant.
Coding change: c.982G>A on transcript NM_033380.3 (MANE Select); coding-DNA position 982, G replaced by A.
Protein change: p.Gly328Ser; replaces glycine 328 with serine.
Molecular consequence: missense variant.
Genome position (GRCh38, 1-based): chrX:108,582,929, G>A. VCF-style: chrX-108582929-G-A. GRCh37 (hg19) VCF-style: chrX-107826159-G-A.
Other names: c.982G>A (NM_000495.4); c.982G>A, p.Gly328Ser (NM_000495.5); short protein forms G328S.
Identifiers: ClinVar variation 3677203 (VCV003677203.3).

ClinVar aggregate classification (germline): Pathogenic. Review status: criteria provided, multiple submitters, no conflicts (2 of 4 stars). 2 submissions from 2 submitters: Pathogenic (2). Last evaluated 2025-10-03.

Conditions:
X-linked Alport syndrome (ATS1). Also called: NEPHROPATHY AND DEAFNESS, X-LINKED; COL4A5-Related Nephropathy. Identifiers: Orphanet 63, Orphanet 88917, MedGen C4746986, MONDO:0010520, OMIM 301050.

gnomAD v4.1: 1 of 1,196,912 alleles (0.000084%); highest among the groups gnomAD compares: Admixed American, 0.0022%; no homozygotes.

Submissions (2):

Natera, Inc.
Classification: Pathogenic for X-linked Alport syndrome. Last evaluated: 2025-10-03. Review status: criteria provided, single submitter. Criteria: Natera Variant Classification Schema (03/2026). Collection method: clinical testing. Allele origin: germline.
Comment: The c.982G>A variant in COL4A5 is a missense variant predicted to cause substitution of glycine to serine at amino acid 328. This variant is rare in the general population with a frequency below the threshold expected for the associated phenotype(s). This variant has been observed in affected individual(s) with monoallelic occurrence (heterozygous/hemizygous) (PMID: 33040356). This variant is located in a functionally critical region of the protein. A different variant at the same position has been determined to be Pathogenic or Likely Pathogenic. Computational prediction algorithms indicate this variant is likely to affect gene or protein function. Given the available evidence, this variant is classified as Pathogenic.

Labcorp Genetics (formerly Invitae), Labcorp
Classification: Pathogenic. Last evaluated: 2024-04-25. Review status: criteria provided, single submitter. Criteria: Invitae Variant Classification Sherloc (09022015). Collection method: clinical testing. Allele origin: germline.
Comment: This sequence change replaces glycine, which is neutral and non-polar, with serine, which is neutral and polar, at codon 328 of the COL4A5 protein (p.Gly328Ser). This variant is not present in population databases (gnomAD no frequency). This missense change has been observed in individual(s) with Alport syndrome (PMID: 33040356). Advanced modeling of protein sequence and biophysical properties (such as structural, functional, and spatial information, amino acid conservation, physicochemical variation, residue mobility, and thermodynamic stability) performed at Invitae indicates that this missense variant is expected to disrupt COL4A5 protein function with a positive predictive value of 95%. This variant disrupts the triple helix domain of COL4A5. Glycine residues within the Gly-Xaa-Yaa repeats of the triple helix domain are required for the structure and stability of fibrillar collagens (PMID: 7695699, 8218237, 19344236). In COL4A5, missense variants at these glycine residues are significantly enriched in individuals with disease (PMID: 23720012, 27627812) compared to the general population (ExAC). This variant disrupts the p.Gly328 amino acid residue in COL4A5. Other variant(s) that disrupt this residue have been observed in individuals with COL4A5-related conditions (PMID: 35064937; Invitae), which suggests that this may be a clinically significant amino acid residue. For these reasons, this variant has been classified as Pathogenic.

Literature cited by the submitters: PubMed 33040356 (cited by Natera, Inc. and Labcorp Genetics (formerly Invitae), Labcorp); PubMed 7695699 (cited by Labcorp Genetics (formerly Invitae), Labcorp); PubMed 8218237 (cited by Labcorp Genetics (formerly Invitae), Labcorp); PubMed 19344236 (cited by Labcorp Genetics (formerly Invitae), Labcorp); PubMed 23720012 (cited by Labcorp Genetics (formerly Invitae), Labcorp); PubMed 27627812 (cited by Labcorp Genetics (formerly Invitae), Labcorp); PubMed 35064937 (cited by Labcorp Genetics (formerly Invitae), Labcorp).